The following is an entry in ClinVar:

ClinVar aggregate classification (germline): Likely benign (1 of 4 stars; one submission).

Submission:

CeGaT Center for Human Genetics Tuebingen
Classification: Likely benign. Last evaluated: 2026-05-01. Review status: criteria provided, single submitter. Criteria: CeGaT Center For Human Genetics Tuebingen Variant Classification Criteria Version 2. Collection method: clinical testing. Allele origin: germline. Affected: yes. Observed: 1 variant allele.
Comment: TUBA1B: BP4, BP7

NM_006082.3(TUBA1B):c.390C>A (p.Thr130=)

Gene: TUBA1B (tubulin alpha 1b; minus strand). Cytogenetic location: 12q13.12.
Variant type: single nucleotide variant.
Coding change: c.390C>A on transcript NM_006082.3 (MANE Select); coding-DNA position 390, C replaced by A.
Protein change: p.Thr130=; no amino-acid change (threonine 130 retained).
Molecular consequence: synonymous variant.
Genome position (GRCh38, 1-based): chr12:49,128,924, G>T on the plus strand (C>A on the coding strand, the complement: TUBA1B is on the minus strand). VCF-style: chr12-49128924-G-T. GRCh37 (hg19) VCF-style: chr12-49522707-G-T.
Identifiers: ClinVar variation 4872340 (VCV004872340.2).
Genomic context (GRCh38, chr12:49,128,924, plus strand): 5'-GGTGAACCCAGAACCAGTTCCCCCACCAAAGCTGTGGAAAACCAAGAAGCCCTGAAGACC[G>T]GTGCACTGGTCAGCCTGTAGGGGAATAAAAAAATGTAATATTTTAATGCCAGGACACATT-3'
Protein context (NP_006073.2, residues 120-140): DRIRKLADQC[Thr130=]GLQGFLVFHS